The following is an entry in ClinVar:

ClinVar aggregate classification (germline): Uncertain significance (1 of 4 stars; one submission).

Submission:

Labcorp Genetics (formerly Invitae), Labcorp
Classification: Uncertain significance. Last evaluated: 2025-04-16. Review status: criteria provided, single submitter. Criteria: Invitae Variant Classification Sherloc (09022015). Collection method: clinical testing. Allele origin: germline.
Comment: This sequence change replaces threonine with methionine at codon 1612 of the OBSL1 protein (p.Thr1612Met). The threonine residue is weakly conserved and there is a moderate physicochemical difference between threonine and methionine. This variant is present in population databases (no rsID available, gnomAD 0.003%). This variant has not been reported in the literature in individuals affected with OBSL1-related conditions. ClinVar contains an entry for this variant (Variation ID: 1521227). An algorithm developed to predict the effect of missense changes on protein structure and function (PolyPhen-2) suggests that this variant is likely to be disruptive. In summary, the available evidence is currently insufficient to determine the role of this variant in disease. Therefore, it has been classified as a Variant of Uncertain Significance.

NM_015311.3(OBSL1):c.4835_4836inv (p.Thr1612Met)

Gene: OBSL1 (obscurin like cytoskeletal adaptor 1; minus strand). Cytogenetic location: 2q35.
Variant type: Inversion.
Coding change: c.4835_4836inv on transcript NM_015311.3 (MANE Select).
Protein change: p.Thr1612Met; replaces threonine 1612 with methionine.
Molecular consequence: missense variant.
Genome position: GRCh38 VCF-style: chr2-219554514-TG-CA. GRCh37 (hg19) VCF-style: chr2-220419236-TG-CA.
Other names: short protein forms T1612M.
Identifiers: ClinVar variation 1521227 (VCV001521227.4), ClinGen allele CA2573135406.